The following is an entry in ClinVar:

ClinVar aggregate classification (germline): Uncertain significance (1 of 4 stars; one submission).

Submission:

Ambry Genetics
Classification: Uncertain significance. Last evaluated: 2023-11-03. Review status: criteria provided, single submitter. Criteria: Ambry Variant Classification Scheme 2023. Collection method: clinical testing. Allele origin: germline.
Comment: The p.A1875T variant (also known as c.5623G>A), located in coding exon 6 of the ALPK2 gene, results from a G to A substitution at nucleotide position 5623. The alanine at codon 1875 is replaced by threonine, an amino acid with similar properties. This amino acid position is conserved. In addition, this alteration is predicted to be tolerated by in silico analysis. Since supporting evidence is limited at this time, the clinical significance of this alteration remains unclear.

NM_052947.4(ALPK2):c.5623G>A (p.Ala1875Thr)

Gene: ALPK2 (alpha kinase 2; minus strand). Cytogenetic location: 18q21.31.
Variant type: single nucleotide variant.
Coding change: c.5623G>A on transcript NM_052947.4 (MANE Select); coding-DNA position 5623, G replaced by A.
Protein change: p.Ala1875Thr; replaces alanine 1875 with threonine.
Molecular consequence: missense variant.
Genome position (GRCh38, 1-based): chr18:58,523,941, C>T on the plus strand (G>A on the coding strand, the complement: ALPK2 is on the minus strand). VCF-style: chr18-58523941-C-T. GRCh37 (hg19) VCF-style: chr18-56191173-C-T.
Other names: short protein forms A1875T.
Identifiers: ClinVar variation 3228804 (VCV003228804.1), dbSNP rs2518866760, ClinGen allele CA402550803.